The following is an entry in ClinVar:

NM_030662.4(MAP2K2):c.690G>A (p.Thr230=)

Gene: MAP2K2 (mitogen-activated protein kinase kinase 2; minus strand). Cytogenetic location: 19p13.3.
Variant type: single nucleotide variant.
Coding change: c.690G>A on transcript NM_030662.4 (MANE Select); coding-DNA position 690, G replaced by A.
Protein change: p.Thr230=; no amino-acid change (threonine 230 retained).
Molecular consequence: synonymous variant.
Genome position (GRCh38, 1-based): chr19:4,101,034, C>T on the plus strand (G>A on the coding strand, the complement: MAP2K2 is on the minus strand). VCF-style: chr19-4101034-C-T. GRCh37 (hg19) VCF-style: chr19-4101032-C-T.
Other names: p.T230T:ACG>ACA; NM_030662.3(MAP2K2):c.690G>A.
Identifiers: ClinVar variation 138159 (VCV000138159.23), dbSNP rs201287884, ClinGen allele CA291996.

ClinVar aggregate classification (germline): Benign. Review status: reviewed by expert panel (3 of 4 stars). 9 submissions from 9 submitters: Benign (1). 8 of the submissions do not count toward it. Last evaluated 2018-11-15.

Conditions:
MAP2K2-related disorder. Also called: MAP2K2-related condition.
Noonan syndrome and Noonan-related syndrome. Identifiers: Orphanet 98733, MedGen C5681679, MONDO:0020297.
Cardiovascular phenotype. Identifiers: MedGen CN230736.
Cardiofaciocutaneous syndrome 4 (CFC4). Also called: MAP2K2-Related Cardiofaciocutaneous Syndrome. Identifiers: Orphanet 1340, MedGen C3809007, MONDO:0014114, OMIM 615280.
RASopathy. Also called: Noonan spectrum disorder; rasopathies. Identifiers: Orphanet 536391, MedGen C5555857, MONDO:0021060.

Allele frequency attached by ClinVar (database versions not stated): gnomAD 0.00005 and 0.00008; gnomAD exomes 0.00013 and 0.00033; 1000 Genomes Project 30x 0.00016; 1000 Genomes Project 0.00020; TOPMed 0.00022; ExAC 0.00028.
gnomAD v4.1: 186 of 1,564,098 alleles (0.012%); highest among the groups gnomAD compares: Admixed American, 0.099%; 2 homozygotes.

Submissions (9):

ClinGen RASopathy Variant Curation Expert Panel
Classification: Benign for Noonan syndrome and Noonan-related syndrome. Last evaluated: 2018-11-15. Review status: reviewed by expert panel. Criteria: ClinGen RASopathy ACMG Specifications v1. Collection method: curation. Allele origin: germline. Inheritance: Autosomal dominant inheritance.
Comment: The filtering allele frequency of the c.690G>A (p.Thr230=) variant in the MAP2K2 gene is 0.1273% for Latino chromosomes by the Exome Aggregation Consortium (3/642 with 95% CI), which is a high enough frequency to be classified as benign based on thresholds defined by the ClinGen RASopathy Expert panel for autosomal dominant RASopathy variants (BA1).

Labcorp Genetics (formerly Invitae), Labcorp
Classification: Benign for RASopathy. Last evaluated: 2026-01-25. Review status: criteria provided, single submitter. Criteria: Invitae Variant Classification Sherloc (09022015). Collection method: clinical testing. Allele origin: germline. Not counted in ClinVar's aggregate classification.

Blueprint Genetics
Classification: Likely benign. Last evaluated: 2024-11-21. Review status: criteria provided, single submitter. Criteria: ACMG Guidelines, 2015. Collection method: clinical testing. Allele origin: germline. Not counted in ClinVar's aggregate classification.

Ambry Genetics
Classification: Likely benign for Cardiovascular phenotype. Last evaluated: 2022-08-14. Review status: criteria provided, single submitter. Criteria: Ambry Variant Classification Scheme 2023. Collection method: clinical testing. Allele origin: germline. Not counted in ClinVar's aggregate classification.

ARUP Laboratories, Molecular Genetics and Genomics, ARUP Laboratories
Classification: Benign for Cardiofaciocutaneous syndrome 4. Last evaluated: 2022-05-10. Review status: criteria provided, single submitter. Criteria: ARUP Molecular Germline Variant Investigation Process 2021. Collection method: clinical testing. Allele origin: germline. Not counted in ClinVar's aggregate classification.

Genome Diagnostics Laboratory, The Hospital for Sick Children
Classification: Likely benign for Noonan syndrome and Noonan-related syndrome. Last evaluated: 2016-12-12. Review status: criteria provided, single submitter. Criteria: ACMG Guidelines, 2015. Collection method: clinical testing. Allele origin: germline. Not counted in ClinVar's aggregate classification.

Women's Health and Genetics/Laboratory Corporation of America, LabCorp
Classification: Benign. Last evaluated: 2016-04-15. Review status: criteria provided, single submitter. Criteria: LabCorp Variant Classification Summary - May 2015. Collection method: clinical testing. Allele origin: germline. Not counted in ClinVar's aggregate classification.
Comment: Variant summary: c.690G>A affects a non-conserved nucleotide resulting in a synonymous change. 5/5 programs in Alamut predict that this variant does not affect normal splicing. This variant was found in 7/24886 control chromosomes in ExAC at a frequency of 0.0002813 (including one homozygote), which sifnificantly exceeds the maximal expected frequency of a pathogenic allele (0.0000025), suggesting this variant is a benign polymorphism. This variant, to our knowledge, has not been reported in affected individuals via publicaitons. One linical laboratory classified this variant as benign. Taken together, this variant was classified as benign.

GeneDx
Classification: Benign. Last evaluated: 2014-04-09. Review status: criteria provided, single submitter. Criteria: GeneDx Variant Classification (06012015). Collection method: clinical testing. Allele origin: germline. Affected: yes. Not counted in ClinVar's aggregate classification.
Comment: This variant is considered likely benign or benign based on one or more of the following criteria: it is a conservative change, it occurs at a poorly conserved position in the protein, it is predicted to be benign by multiple in silico algorithms, and/or has population frequency not consistent with disease.

PreventionGenetics, part of Exact Sciences
Classification: Likely benign for MAP2K2-related condition. Last evaluated: 2019-04-30. Review status: no assertion criteria provided. Collection method: clinical testing. Allele origin: germline. Not counted in ClinVar's aggregate classification.
Comment: This variant is classified as likely benign based on ACMG/AMP sequence variant interpretation guidelines (Richards et al. 2015 PMID: 25741868, with internal and published modifications).